The following is an entry in ClinVar:

NM_003061.3(SLIT1):c.252C>A (p.Leu84=)

Genes: ARHGAP19-SLIT1 (ARHGAP19-SLIT1 readthrough (NMD candidate); minus strand), SLIT1 (slit guidance ligand 1; minus strand). Cytogenetic location: 10q24.1.
Variant type: single nucleotide variant.
Coding change: c.252C>A on transcript NM_003061.3 (MANE Select); coding-DNA position 252, C replaced by A.
Protein change: p.Leu84=; no amino-acid change (leucine 84 retained).
Molecular consequence: synonymous variant. On other transcripts: non-coding transcript variant (1).
Genome position (GRCh38, 1-based): chr10:97,164,836, G>T on the plus strand (C>A on the coding strand, the complement: SLIT1 is on the minus strand). VCF-style: chr10-97164836-G-T. GRCh37 (hg19) VCF-style: chr10-98924593-G-T.
Identifiers: ClinVar variation 2640735 (VCV002640735.24), dbSNP rs149092674, ClinGen allele CA5629034.

ClinVar aggregate classification (germline): Likely benign (1 of 4 stars; one submission).

Allele frequency attached by ClinVar (database versions not stated): 1000 Genomes Project 30x 0.00094; 1000 Genomes Project 0.00100; gnomAD 0.00146; gnomAD exomes 0.00168; ESP Exome Variant Server 0.00177; ExAC 0.00201.
gnomAD v4.1: 2,731 of 1,613,462 alleles (0.17%); highest among the groups gnomAD compares: South Asian, 0.24%; 6 homozygotes.

Submission:

CeGaT Center for Human Genetics Tuebingen
Classification: Likely benign. Last evaluated: 2023-03-01. Review status: criteria provided, single submitter. Criteria: CeGaT Center For Human Genetics Tuebingen Variant Classification Criteria Version 2. Collection method: clinical testing. Allele origin: germline. Affected: yes. Observed: 2 variant alleles.
Comment: SLIT1: BP4, BP7